The following is an entry in ClinVar:

ClinVar aggregate classification (germline): Uncertain significance. Review status: criteria provided, multiple submitters, no conflicts (2 of 4 stars). 5 submissions from 5 submitters: Uncertain significance (2). 3 of the submissions do not count toward it. Last evaluated 2024-12-03.

Conditions:
Hereditary spastic paraplegia 48. Also called: SPASTIC PARAPLEGIA 48, AUTOSOMAL RECESSIVE; Spastic paraplegia 48. Identifiers: Orphanet 306511, MedGen C3150901, MONDO:0013342, OMIM 613647.
AP5Z1-related disorder. Also called: AP5Z1-related condition.

Allele frequency attached by ClinVar (database versions not stated): ExAC 0.00003; gnomAD 0.00003; gnomAD exomes 0.00003 and 0.00006; TOPMed 0.00007.

Submissions (5):

Athena Diagnostics
Classification: Uncertain significance. Last evaluated: 2024-12-03. Review status: criteria provided, single submitter. Criteria: Athena Diagnostics Criteria. Collection method: clinical testing. Allele origin: unknown.
Comment: Available data are insufficient to determine the clinical significance of the variant at this time. The frequency of this variant in the general population is uninformative in assessment of its pathogenicity. Polyphen and MutationTaster yielded discordant predictions regarding whether this amino acid change is damaging to the protein.

Labcorp Genetics (formerly Invitae), Labcorp
Classification: Uncertain significance for Hereditary spastic paraplegia 48. Last evaluated: 2022-02-27. Review status: criteria provided, single submitter. Criteria: Invitae Variant Classification Sherloc (09022015). Collection method: clinical testing. Allele origin: germline.
Comment: This sequence change replaces arginine, which is basic and polar, with tryptophan, which is neutral and slightly polar, at codon 110 of the AP5Z1 protein (p.Arg110Trp). This variant is present in population databases (rs761446953, gnomAD 0.006%). This missense change has been observed in individual(s) with clinical features of complicated hereditary spastic paraplegia (PMID: 24833714). ClinVar contains an entry for this variant (Variation ID: 938245). Algorithms developed to predict the effect of missense changes on protein structure and function output the following: SIFT: "Deleterious"; PolyPhen-2: "Benign"; Align-GVGD: "Class C0". The tryptophan amino acid residue is found in multiple mammalian species, which suggests that this missense change does not adversely affect protein function. In summary, the available evidence is currently insufficient to determine the role of this variant in disease. Therefore, it has been classified as a Variant of Uncertain Significance.

PreventionGenetics, part of Exact Sciences
Classification: Uncertain significance for AP5Z1-related condition. Last evaluated: 2024-08-05. Review status: no assertion criteria provided. Collection method: clinical testing. Allele origin: germline. Not counted in ClinVar's aggregate classification.
Comment: The AP5Z1 c.328C>T variant is predicted to result in the amino acid substitution p.Arg110Trp. This variant was previously reported in one individual with complex spastic paraplegia; however, a second potentially causative variant was not identified (Pensato et al. 2014. PubMed ID: 24833714). This variant is reported in 0.0065% of alleles in individuals of European (Non-Finnish) descent in gnomAD. At this time, the clinical significance of this variant is uncertain due to the absence of conclusive functional and genetic evidence.

Clinical Genetics DNA and cytogenetics Diagnostics Lab, Erasmus MC, Erasmus Medical Center
Classification: Uncertain significance. Review status: no assertion criteria provided. Collection method: clinical testing. Allele origin: germline. Affected: yes. Study: VKGL Data-share Consensus. Not counted in ClinVar's aggregate classification.

Laboratory of Diagnostic Genome Analysis, Leiden University Medical Center (LUMC)
Classification: Uncertain significance. Review status: no assertion criteria provided. Collection method: clinical testing. Allele origin: germline. Affected: yes. Study: VKGL Data-share Consensus. Not counted in ClinVar's aggregate classification.

Literature cited by the submitters: PubMed 24833714 (cited by Athena Diagnostics and Labcorp Genetics (formerly Invitae), Labcorp); PubMed 20613862 (cited by Athena Diagnostics).

NM_014855.3(AP5Z1):c.328C>T (p.Arg110Trp)

Gene: AP5Z1 (adaptor related protein complex 5 subunit zeta 1; plus strand). Cytogenetic location: 7p22.1.
Variant type: single nucleotide variant.
Coding change: c.328C>T on transcript NM_014855.3 (MANE Select); coding-DNA position 328, C replaced by T.
Protein change: p.Arg110Trp; replaces arginine 110 with tryptophan.
Molecular consequence: missense variant. On other transcripts: non-coding transcript variant (1), intron variant (1).
Genome position (GRCh38, 1-based): chr7:4,781,716, C>T. VCF-style: chr7-4781716-C-T. GRCh37 (hg19) VCF-style: chr7-4821347-C-T.
Other names: c.-103+404C>T (NM_001364858.1); short protein forms R110W.
Identifiers: ClinVar variation 938245 (VCV000938245.9), dbSNP rs761446953, ClinGen allele CA4137144.